The following is an entry in ClinVar:

NM_203446.3(SYNJ1):c.2281A>G (p.Ile761Val)

Gene: SYNJ1 (synaptojanin 1; minus strand). Cytogenetic location: 21q22.11.
Variant type: single nucleotide variant.
Coding change: c.2281A>G on transcript NM_203446.3 (MANE Select); coding-DNA position 2281, A replaced by G.
Protein change: p.Ile761Val; replaces isoleucine 761 with valine.
Molecular consequence: missense variant.
Genome position (GRCh38, 1-based): chr21:32,664,936, T>C on the plus strand (A>G on the coding strand, the complement: SYNJ1 is on the minus strand). VCF-style: chr21-32664936-T-C. GRCh37 (hg19) VCF-style: chr21-34037246-T-C.
Other names: c.2281A>G, p.Ile761Val (NM_001160302.2); c.2266A>G, p.Ile756Val (NM_001160306.2); c.2398A>G, p.Ile800Val (NM_003895.4); short protein forms I756V, I761V, I800V.
Identifiers: ClinVar variation 2117498 (VCV002117498.4), dbSNP rs1386389759, ClinGen allele CA410077028.

ClinVar aggregate classification (germline): Uncertain significance (1 of 4 stars; one submission).

Conditions:
Developmental and epileptic encephalopathy, 53. Also called: Epileptic encephalopathy, early infantile, 53. Identifiers: MedGen C4479313, MONDO:0033362, OMIM 617389.
Early-onset Parkinson disease 20. Also called: PARKINSON DISEASE 20, AUTOSOMAL RECESSIVE EARLY-ONSET. Identifiers: Orphanet 391411, MedGen C3809824, MONDO:0014233, OMIM 615530.

Submission:

Labcorp Genetics (formerly Invitae), Labcorp
Classification: Uncertain significance for Developmental and epileptic encephalopathy, 53; Early-onset Parkinson disease 20. Last evaluated: 2022-05-14. Review status: criteria provided, single submitter. Criteria: Invitae Variant Classification Sherloc (09022015). Collection method: clinical testing. Allele origin: germline.
Comment: In summary, the available evidence is currently insufficient to determine the role of this variant in disease. Therefore, it has been classified as a Variant of Uncertain Significance. Algorithms developed to predict the effect of missense changes on protein structure and function (SIFT, PolyPhen-2, Align-GVGD) all suggest that this variant is likely to be tolerated. This variant has not been reported in the literature in individuals affected with SYNJ1-related conditions. This variant is not present in population databases (gnomAD no frequency). This sequence change replaces isoleucine, which is neutral and non-polar, with valine, which is neutral and non-polar, at codon 800 of the SYNJ1 protein (p.Ile800Val).